The following is an entry in ClinVar:

NM_015102.5(NPHP4):c.3490_3491delinsA (p.Leu1164fs)

Gene: NPHP4 (nephrocystin 4; minus strand). Cytogenetic location: 1p36.31.
Variant type: Indel.
Coding change: c.3490_3491delinsA on transcript NM_015102.5 (MANE Select); coding-DNA positions 3490 to 3491, CT replaced by A.
Protein change: p.Leu1164fs; shifts the reading frame from leucine 1164.
Molecular consequence: frameshift variant. On other transcripts: non-coding transcript variant (1).
Genome position (GRCh38, 1-based): chr1:5,867,097-5,867,098, AG replaced by T on the plus strand (CT replaced by A on the coding strand, the reverse complement: NPHP4 is on the minus strand). VCF-style: chr1-5867097-AG-T. GRCh37 (hg19) VCF-style: chr1-5927157-AG-T.
Other names: c.1951_1952delinsA, p.Leu651fs (NM_001291593.2); c.1954_1955delinsA, p.Leu652fs (NM_001291594.2); short protein forms L1164fs, L651fs, L652fs.
Identifiers: ClinVar variation 1030411 (VCV001030411.1), dbSNP rs1641316046, ClinGen allele CA1151211909.
Genomic context (GRCh38, chr1:5,867,097, plus strand): 5'-TGGGTCTCACAGATGACGTTCGGGTCGCTGCAGCGAACATGGACTGGGGGGTCCTCACCA[AG>T]CATTCCCACCGGAGCACCTGGAGCAGGGGAAATGTCAAAAAGAGTCTTCTCCACAGCCCC-3'

ClinVar aggregate classification (germline): Likely pathogenic (1 of 4 stars; one submission).

Conditions:
Senior-Loken syndrome 4 (SLSN4). Identifiers: Orphanet 3156, MedGen C1846979, MONDO:0011756, OMIM 606996.

Submission:

Baylor Genetics
Classification: Likely pathogenic for Senior-Loken syndrome 4. Last evaluated: 2019-12-24. Review status: criteria provided, single submitter. Criteria: ACMG Guidelines, 2015. Collection method: clinical testing. Allele origin: unknown. Affected: yes.
Comment: This variant was determined to be likely pathogenic according to ACMG Guidelines, 2015 [PMID:25741868].